The following is an entry in ClinVar:

NM_015602.4(TOR1AIP1):c.797-1G>T

Gene: TOR1AIP1 (torsin 1A interacting protein 1; plus strand). Cytogenetic location: 1q25.2.
Variant type: single nucleotide variant.
Coding change: c.797-1G>T on transcript NM_015602.4 (MANE Select); the canonical splice acceptor site of the intron before coding-DNA position 797, G replaced by T.
Molecular consequence: splice acceptor variant.
Genome position (GRCh38, 1-based): chr1:179,907,822, G>T. VCF-style: chr1-179907822-G-T. GRCh37 (hg19) VCF-style: chr1-179876957-G-T.
Other names: c.800-1G>T (NM_001267578.2).
Identifiers: ClinVar variation 4749402 (VCV004749402.2).
Genomic context (GRCh38, chr1:179,907,822, plus strand): 5'-AACATCTTTTTTGTTGTTATTTTCAAGTATTCTATGACCTTATCCCTGTTTTCTGTTTCA[G>T]GTCAAAACTTCACAGCTCATGATAAGCAACCTTCAGTGCTAAGTAAGTAGTTGGTTGTCT-3'

ClinVar aggregate classification (germline): Conflicting classifications of pathogenicity. Review status: criteria provided, conflicting classifications (1 of 4 stars). 2 submissions from 2 submitters: Likely pathogenic (1); Uncertain significance (1). Last evaluated 2025-03-22.

Conditions:
Autosomal recessive limb-girdle muscular dystrophy type 2Y (MRRSDC). Also called: Muscular dystrophy, limb-girdle, type 2y; Muscular dystrophy, autosomal recessive, with rigid spine and distal joint contractures. Identifiers: Orphanet 424261, MedGen C4511482, MONDO:0014900, OMIM 617072.

gnomAD v4.1: 168 of 1,585,050 alleles (0.011%); highest among the groups gnomAD compares: African/African-American, 0.0014%; no homozygotes.

Submissions (2):

Labcorp Genetics (formerly Invitae), Labcorp
Classification: Likely pathogenic for Autosomal recessive limb-girdle muscular dystrophy type 2Y. Last evaluated: 2025-03-22. Review status: criteria provided, single submitter. Criteria: Invitae Variant Classification Sherloc (09022015). Collection method: clinical testing. Allele origin: germline.
Comment: This sequence change affects an acceptor splice site in intron 6 of the TOR1AIP1 gene. It is expected to disrupt RNA splicing. Variants that disrupt the donor or acceptor splice site typically lead to a loss of protein function (PMID: 16199547), and loss-of-function variants in TOR1AIP1 are known to be pathogenic (PMID: 24856141, 27342937). This variant is present in population databases (rs200599054, gnomAD 0.3%). This variant has not been reported in the literature in individuals affected with TOR1AIP1-related conditions. Algorithms developed to predict the effect of sequence changes on RNA splicing suggest that this variant may disrupt the consensus splice site. In summary, the currently available evidence indicates that the variant is pathogenic, but additional data are needed to prove that conclusively. Therefore, this variant has been classified as Likely Pathogenic.

Blueprint Genetics
Classification: Uncertain significance. Last evaluated: 2024-09-20. Review status: criteria provided, single submitter. Criteria: ACMG Guidelines, 2015. Collection method: clinical testing. Allele origin: germline.

Literature cited by the submitters: PubMed 16199547 (cited by Labcorp Genetics (formerly Invitae), Labcorp); PubMed 24856141 (cited by Labcorp Genetics (formerly Invitae), Labcorp); PubMed 27342937 (cited by Labcorp Genetics (formerly Invitae), Labcorp).